The following is an entry in ClinVar:

NM_000475.5(NR0B1):c.471C>T (p.His157=)

Gene: NR0B1 (nuclear receptor subfamily 0 group B member 1; minus strand). Cytogenetic location: Xp21.2.
Variant type: single nucleotide variant.
Coding change: c.471C>T on transcript NM_000475.5 (MANE Select); coding-DNA position 471, C replaced by T.
Protein change: p.His157=; no amino-acid change (histidine 157 retained).
Molecular consequence: synonymous variant.
Genome position (GRCh38, 1-based): chrX:30,308,893, G>A on the plus strand (C>T on the coding strand, the complement: NR0B1 is on the minus strand). VCF-style: chrX-30308893-G-A. GRCh37 (hg19) VCF-style: chrX-30327010-G-A.
Identifiers: ClinVar variation 1932664 (VCV001932664.29), dbSNP rs768294984, ClinGen allele CA515946323.

ClinVar aggregate classification (germline): Likely benign. Review status: criteria provided, multiple submitters, no conflicts (2 of 4 stars). 2 submissions from 2 submitters: Likely benign (2). Last evaluated 2024-01-09.

Conditions:
Congenital adrenal hypoplasia, X-linked (AHC). Also called: ADRENAL HYPOPLASIA, CONGENITAL, WITH HYPOGONADOTROPIC HYPOGONADISM; Isolated X-Linked Adrenal Hypoplasia Congenita; X-linked AHC; X-Linked Adrenal Hypoplasia Congenita. Identifiers: Orphanet 95702, MedGen C0342482, MONDO:0010264, OMIM 300200. Disease mechanism: loss of function.
46,XY sex reversal 2. Also called: NR0B1-Related 46,XY CGD; NR0B1-related 46,XY complete gonadal dysgenesis; 46XY sex reversal 2, dosage-sensitive; Dosage-sensitive sex reversal; 46,XY SEX REVERSAL, DAX1-RELATED. Identifiers: MedGen C1848296, MONDO:0010226, OMIM 300018.

Submissions (2):

Labcorp Genetics (formerly Invitae), Labcorp
Classification: Likely benign for Congenital adrenal hypoplasia, X-linked; 46,XY sex reversal 2. Last evaluated: 2024-01-09. Review status: criteria provided, single submitter. Criteria: Invitae Variant Classification Sherloc (09022015). Collection method: clinical testing. Allele origin: germline.

CeGaT Center for Human Genetics Tuebingen
Classification: Likely benign. Last evaluated: 2022-10-01. Review status: criteria provided, single submitter. Criteria: CeGaT Center For Human Genetics Tuebingen Variant Classification Criteria Version 2. Collection method: clinical testing. Allele origin: germline. Affected: yes. Observed: 1 variant allele.
Comment: NR0B1: PM2:Supporting, BP4, BP7